The following is an entry in ClinVar:

NM_020655.4(JPH3):c.840C>T (p.Ile280=)

Gene: JPH3 (junctophilin 3; plus strand). Cytogenetic location: 16q24.2.
Variant type: single nucleotide variant.
Coding change: c.840C>T on transcript NM_020655.4 (MANE Select); coding-DNA position 840, C replaced by T.
Protein change: p.Ile280=; no amino-acid change (isoleucine 280 retained).
Molecular consequence: synonymous variant. On other transcripts: non-coding transcript variant (1).
Genome position (GRCh38, 1-based): chr16:87,644,715, C>T. VCF-style: chr16-87644715-C-T. GRCh37 (hg19) VCF-style: chr16-87678321-C-T.
Identifiers: ClinVar variation 3052698 (VCV003052698.2), dbSNP rs147830852, ClinGen allele CA8220863.

ClinVar aggregate classification (germline): Likely benign (0 of 4 stars; one submission).

Conditions:
JPH3-related disorder. Also called: JPH3-related condition.

Allele frequency attached by ClinVar (database versions not stated): ExAC 0.00015; gnomAD 0.00016; 1000 Genomes Project 0.00020; 1000 Genomes Project 30x 0.00031; ESP Exome Variant Server 0.00038.
gnomAD v4.1: 442 of 1,601,762 alleles (0.028%); highest among the groups gnomAD compares: Middle Eastern, 0.05%; no homozygotes.

Submission:

PreventionGenetics, part of Exact Sciences
Classification: Likely benign for JPH3-related condition. Last evaluated: 2019-04-04. Review status: no assertion criteria provided. Collection method: clinical testing. Allele origin: germline.
Comment: This variant is classified as likely benign based on ACMG/AMP sequence variant interpretation guidelines (Richards et al. 2015 PMID: 25741868, with internal and published modifications).